The following is an entry in ClinVar:

ClinVar aggregate classification (germline): Likely benign (0 of 4 stars; one submission).

Conditions:
TRIP12-related disorder. Also called: TRIP12-related condition.

Allele frequency attached by ClinVar (database versions not stated): gnomAD 0.00006; TOPMed 0.00007; ESP Exome Variant Server 0.00008; gnomAD exomes 0.00008; ExAC 0.00027.
gnomAD v4.1: 120 of 1,493,918 alleles (0.008%); highest among the groups gnomAD compares: Non-Finnish European, 0.0098%; no homozygotes.

Submission:

PreventionGenetics, part of Exact Sciences
Classification: Likely benign for TRIP12-related condition. Last evaluated: 2019-07-29. Review status: no assertion criteria provided. Collection method: clinical testing. Allele origin: germline.
Comment: This variant is classified as likely benign based on ACMG/AMP sequence variant interpretation guidelines (Richards et al. 2015 PMID: 25741868, with internal and published modifications).

NM_001348323.3(TRIP12):c.1635+7A>G

Gene: TRIP12 (thyroid hormone receptor interactor 12; minus strand). Cytogenetic location: 2q36.3.
Variant type: single nucleotide variant.
Coding change: c.1635+7A>G on transcript NM_001348323.3 (MANE Select); 7 bases into the intron after coding-DNA position 1635, A replaced by G.
Molecular consequence: intron variant.
Genome position (GRCh38, 1-based): chr2:229,815,266, T>C on the plus strand (A>G on the coding strand, the complement: TRIP12 is on the minus strand). VCF-style: chr2-229815266-T-C. GRCh37 (hg19) VCF-style: chr2-230679982-T-C.
Other names: c.600+7A>G (NM_001284216.2); c.1491+7A>G (NM_004238.3); c.1509+7A>G (NM_001348331.1, NM_001348317.1, NM_001284215.2 and 2 more transcripts); c.1548+7A>G (NM_001348332.1); c.1635+7A>G (NM_001284214.2, NM_001348319.1, NM_001348333.1 and 11 more transcripts).
Identifiers: ClinVar variation 3034795 (VCV003034795.2), dbSNP rs368193112, ClinGen allele CA2153222.